The following is an entry in ClinVar:

ClinVar aggregate classification (germline): Uncertain significance (1 of 4 stars; one submission).

Conditions:
Cardiovascular phenotype. Identifiers: MedGen CN230736.

Submission:

Ambry Genetics
Classification: Uncertain significance for Cardiovascular phenotype. Last evaluated: 2025-07-24. Review status: criteria provided, single submitter. Criteria: Ambry Variant Classification Scheme 2023. Collection method: clinical testing. Allele origin: germline.
Comment: The p.A95S variant (also known as c.283G>T), located in coding exon 1 of the KCNJ8 gene, results from a G to T substitution at nucleotide position 283. The alanine at codon 95 is replaced by serine, an amino acid with similar properties. This amino acid position is conserved. In addition, this alteration is predicted to be deleterious by in silico analysis. Based on the available evidence, the clinical significance of this variant remains unclear.

NM_004982.4(KCNJ8):c.283G>T (p.Ala95Ser)

Genes: KCNJ8 (potassium inwardly rectifying channel subfamily J member 8; minus strand), KCNJ8-AS1 (KCNJ8 antisense RNA 1; plus strand). Cytogenetic location: 12p12.1.
Variant type: single nucleotide variant.
Coding change: c.283G>T on transcript NM_004982.4 (MANE Select); coding-DNA position 283, G replaced by T.
Protein change: p.Ala95Ser; replaces alanine 95 with serine.
Molecular consequence: missense variant.
Genome position (GRCh38, 1-based): chr12:21,773,334, C>A on the plus strand (G>T on the coding strand, the complement: KCNJ8 is on the minus strand). VCF-style: chr12-21773334-C-A. GRCh37 (hg19) VCF-style: chr12-21926268-C-A.
Other names: short protein forms A95S.
Identifiers: ClinVar variation 4090522 (VCV004090522.1).